The following is an entry in ClinVar:

NM_000368.5(TSC1):c.2626G>T (p.Glu876Ter)

Gene: TSC1 (TSC complex subunit 1; minus strand). Cytogenetic location: 9q34.13.
Variant type: single nucleotide variant.
Coding change: c.2626G>T on transcript NM_000368.5 (MANE Select); coding-DNA position 2626, G replaced by T.
Protein change: p.Glu876Ter; replaces glutamic acid 876 with a stop codon.
Molecular consequence: nonsense.
Genome position (GRCh38, 1-based): chr9:132,897,610, C>A on the plus strand (G>T on the coding strand, the complement: TSC1 is on the minus strand). VCF-style: chr9-132897610-C-A. GRCh37 (hg19) VCF-style: chr9-135772997-C-A.
Other names: c.2623G>T, p.Glu875Ter (NM_001162426.2); c.2473G>T, p.Glu825Ter (NM_001162427.2); c.2263G>T, p.Glu755Ter (NM_001362177.2); short protein forms E876*, E825*, E875*, E755*.
Identifiers: ClinVar variation 620094 (VCV000620094.13), dbSNP rs747602915, ClinGen allele CA034018.
Genomic context (GRCh38, chr9:132,897,610, plus strand): 5'-GAACATGGCTTCTGTTTTTTTCTAGCTCTTTCCGATAGGCGGCTTTCATCATTTCTACTT[C>A]CTGAAAAAAAAAAAAAAAAAAGACTGGAATTAGTACTTATAAAAAATAAACATGCTGTAT-3'

ClinVar aggregate classification (germline): Pathogenic. Review status: criteria provided, multiple submitters, no conflicts (2 of 4 stars). 4 submissions from 4 submitters: Pathogenic (3). 1 of the submissions does not count toward it. Last evaluated 2025-09-15.

Conditions:
Tuberous sclerosis 1 (TSC1). Identifiers: Orphanet 805, MedGen C1854465, MONDO:0008612, OMIM 191100.

Allele frequency attached by ClinVar (database versions not stated): ExAC 0.00002; gnomAD 0.00002.

Submissions (4):

GeneDx
Classification: Pathogenic. Last evaluated: 2025-09-15. Review status: criteria provided, single submitter. Criteria: GeneDx Variant Classification Process June 2021. Collection method: clinical testing. Allele origin: germline. Affected: yes.
Comment: Nonsense variant predicted to result in protein truncation or nonsense mediated decay in a gene for which loss of function is a known mechanism of disease; Not observed at significant frequency in large population cohorts (gnomAD); This variant is associated with the following publications: (PMID: 31589614, 34515413, 36964972, 37937776, 32418252, 39596632)

Genome-Nilou Lab
Classification: Pathogenic for Tuberous sclerosis 1. Last evaluated: 2021-11-07. Review status: criteria provided, single submitter. Criteria: ACMG Guidelines, 2015. Collection method: clinical testing. Allele origin: germline. Affected: no.

Labcorp Genetics (formerly Invitae), Labcorp
Classification: Pathogenic for Tuberous sclerosis 1. Last evaluated: 2020-01-23. Review status: criteria provided, single submitter. Criteria: Invitae Variant Classification Sherloc (09022015). Collection method: clinical testing. Allele origin: germline.
Comment: Loss-of-function variants in TSC1 are known to be pathogenic (PMID: 10227394, 17304050). This sequence change creates a premature translational stop signal (p.Glu876*) in the TSC1 gene. It is expected to result in an absent or disrupted protein product. The frequency data for this variant in the population databases is considered unreliable, as metrics indicate poor data quality at this position in the ExAC database. This variant has not been reported in the literature in individuals with TSC1-related conditions. ClinVar contains an entry for this variant (Variation ID: 620094). Algorithms developed to predict the effect of sequence changes on RNA splicing suggest that this variant may disrupt the consensus splice site, but this prediction has not been confirmed by published transcriptional studies. For these reasons, this variant has been classified as Pathogenic.

Biochemical Molecular Genetic Laboratory, King Abdulaziz Medical City
Classification: Pathogenic for Tuberous sclerosis 1. Last evaluated: 2020-02-05. Review status: no assertion criteria provided. Collection method: clinical testing. Allele origin: germline. Affected: yes. Not counted in ClinVar's aggregate classification.

Literature cited by the submitters: PubMed 10227394 (cited by Labcorp Genetics (formerly Invitae), Labcorp); PubMed 17304050 (cited by Labcorp Genetics (formerly Invitae), Labcorp).